The following is an entry in ClinVar:

NM_000179.3(MSH6):c.481A>G (p.Lys161Glu)

Gene: MSH6 (mutS homolog 6; plus strand). Cytogenetic location: 2p16.3.
Variant type: single nucleotide variant.
Coding change: c.481A>G on transcript NM_000179.3 (MANE Select); coding-DNA position 481, A replaced by G.
Protein change: p.Lys161Glu; replaces lysine 161 with glutamic acid.
Molecular consequence: missense variant. On other transcripts: intron variant (2), 5 prime UTR variant (1).
Genome position (GRCh38, 1-based): chr2:47,795,917, A>G. VCF-style: chr2-47795917-A-G. GRCh37 (hg19) VCF-style: chr2-48023056-A-G.
Other names: c.-279-2694A>G (NM_001281493.2); c.238-2694A>G (NM_001281492.2); c.-422A>G (NM_001281494.2); c.577A>G, p.Lys193Glu (NM_001406795.1, NM_001406802.1); c.481A>G, p.Lys161Glu (NM_001406796.1, NM_001406798.1, NM_001406800.1 and 5 more transcripts); c.184A>G, p.Lys62Glu (NM_001406797.1, NM_001406801.1, NM_001406805.1 and 10 more transcripts); c.-45A>G (NM_001406799.1, NM_001406806.1, NM_001406807.1); c.403A>G, p.Lys135Glu (NM_001406804.1); and 3 more; short protein forms K135E, K161E, K163E, K193E, K105E, K62E.
Identifiers: ClinVar variation 1743340 (VCV001743340.6), dbSNP rs2530516193, ClinGen allele CA346738605.

ClinVar aggregate classification (germline): Uncertain significance. Review status: criteria provided, multiple submitters, no conflicts (2 of 4 stars). 2 submissions from 2 submitters: Uncertain significance (2). Last evaluated 2025-03-05.

Conditions:
Hereditary nonpolyposis colorectal neoplasms. Identifiers: MedGen C0009405, MeSH D003123.
Hereditary cancer-predisposing syndrome. Also called: Hereditary Cancer Syndrome; Neoplastic Syndromes, Hereditary; Tumor predisposition; Hereditary neoplastic syndrome. Identifiers: Orphanet 140162, MedGen C0027672, MeSH D009386, MONDO:0015356.

Submissions (2):

Ambry Genetics
Classification: Uncertain significance for Hereditary cancer-predisposing syndrome. Last evaluated: 2025-03-05. Review status: criteria provided, single submitter. Criteria: Ambry Variant Classification Scheme 2023. Collection method: clinical testing. Allele origin: germline.
Comment: The p.K161E variant (also known as c.481A>G), located in coding exon 3 of the MSH6 gene, results from an A to G substitution at nucleotide position 481. The lysine at codon 161 is replaced by glutamic acid, an amino acid with similar properties. This amino acid position is well conserved in available vertebrate species. In addition, the in silico prediction for this alteration is inconclusive. Based on the available evidence, the clinical significance of this variant remains unclear.

Labcorp Genetics (formerly Invitae), Labcorp
Classification: Uncertain significance for Hereditary nonpolyposis colorectal neoplasms. Last evaluated: 2024-03-23. Review status: criteria provided, single submitter. Criteria: Invitae Variant Classification Sherloc (09022015). Collection method: clinical testing. Allele origin: germline.
Comment: This sequence change replaces lysine, which is basic and polar, with glutamic acid, which is acidic and polar, at codon 161 of the MSH6 protein (p.Lys161Glu). This variant is not present in population databases (gnomAD no frequency). This variant has not been reported in the literature in individuals affected with MSH6-related conditions. ClinVar contains an entry for this variant (Variation ID: 1743340). Advanced modeling of protein sequence and biophysical properties (such as structural, functional, and spatial information, amino acid conservation, physicochemical variation, residue mobility, and thermodynamic stability) performed at Invitae indicates that this missense variant is not expected to disrupt MSH6 protein function with a negative predictive value of 95%. In summary, the available evidence is currently insufficient to determine the role of this variant in disease. Therefore, it has been classified as a Variant of Uncertain Significance.